The following is an entry in ClinVar:

NM_000486.6(AQP2):c.606+4A>G

Genes: AQP2 (aquaporin 2; plus strand), AQP5-AS1 (AQP5 and AQP2 antisense RNA 2; minus strand). Cytogenetic location: 12q13.12.
Variant type: single nucleotide variant.
Coding change: c.606+4A>G on transcript NM_000486.6 (MANE Select); 4 bases into the intron after coding-DNA position 606, A replaced by G.
Molecular consequence: intron variant.
Genome position (GRCh38, 1-based): chr12:49,954,714, A>G. VCF-style: chr12-49954714-A-G. GRCh37 (hg19) VCF-style: chr12-50348497-A-G.
Identifiers: ClinVar variation 4995362 (VCV004995362.1).
Genomic context (GRCh38, chr12:49,954,714, plus strand): 5'-AATCCTGCCCGCTCCCTGGCTCCAGCTGTCGTCACTGGCAAATTTGATGACCACTGGGTA[A>G]TGGCTGAAACCCCCTGCCCTCCCCTTCTCTAGAAACCCATTTTAGAGGGAGAACAAGAGC-3'

ClinVar aggregate classification (germline): Uncertain significance (1 of 4 stars; one submission).

Conditions:
AQP2-related disorder. Also called: AQP2-related condition.

Submission:

PreventionGenetics, part of Exact Sciences
Classification: Uncertain significance for AQP2-related condition. Last evaluated: 2026-03-20. Review status: criteria provided, single submitter. Criteria: ACMG Guidelines, 2015. Collection method: clinical testing. Allele origin: germline.
Comment: The AQP2 c.606+4A>G variant is predicted to interfere with splicing. To our knowledge, this variant has not been reported in the literature or in a large population database (gnomAD), indicating this variant is rare. At this time, the clinical significance of this variant is uncertain due to the absence of conclusive functional and genetic evidence.